The following is an entry in ClinVar:

ClinVar aggregate classification (germline): Uncertain significance (1 of 4 stars; one submission).

Conditions:
Hyperekplexia 2 (HKPX2). Identifiers: Orphanet 3197, MedGen C3553291, MONDO:0013828, OMIM 614619.

Submission:

Labcorp Genetics (formerly Invitae), Labcorp
Classification: Uncertain significance for Hyperekplexia 2. Last evaluated: 2022-07-06. Review status: criteria provided, single submitter. Criteria: Invitae Variant Classification Sherloc (09022015). Collection method: clinical testing. Allele origin: germline.
Comment: This variant has not been reported in the literature in individuals affected with GLRB-related conditions. This variant is not present in population databases (gnomAD no frequency). This variant, c.1468_1470del, results in the deletion of 1 amino acid(s) of the GLRB protein (p.Val490del), but otherwise preserves the integrity of the reading frame. In summary, the available evidence is currently insufficient to determine the role of this variant in disease. Therefore, it has been classified as a Variant of Uncertain Significance. Experimental studies and prediction algorithms are not available or were not evaluated, and the functional significance of this variant is currently unknown.

NM_000824.5(GLRB):c.1468_1470del (p.Val490del)

Gene: GLRB (glycine receptor beta; plus strand). Cytogenetic location: 4q32.1.
Variant type: Deletion.
Coding change: c.1468_1470del on transcript NM_000824.5 (MANE Select); coding-DNA positions 1468 to 1470, 3 bases deleted (GTT; older notation c.1468_1470delGTT).
Protein change: p.Val490del; deletes valine 490.
Molecular consequence: inframe deletion. On other transcripts: 3 prime UTR variant (1).
Genome position (GRCh38, 1-based): chr4:157,170,702-157,170,704, GTT deleted; deleting any 3 consecutive bases within chr4:157,170,701-157,170,704 gives the same sequence; the c. name uses the placement nearest the transcript's 3' end. VCF-style (leftmost placement, unchanged base first): chr4-157170700-ATGT-A. GRCh37 (hg19) VCF-style: chr4-158091852-ATGT-A.
Other names: c.1468_1470del, p.Val490del (NM_001166060.2); c.*263_*265del (NM_001166061.2); short protein forms V490del.
Identifiers: ClinVar variation 1987785 (VCV001987785.4), dbSNP rs1737889731, ClinGen allele CA1506164652.
Genomic context (GRCh38, chr4:157,170,700, plus strand): 5'-CAGCAAAGCGAATTGATCTTTATGCAAGAGCATTGTTTCCTTTCTGCTTCTTGTTCTTCA[ATGT>A]TATATATTGGTCTATATATTTATGATAAATCTTTTCCATTTGTACAAAATAAAATTCCAT-3'